The following is an entry in ClinVar:

ClinVar aggregate classification (germline): Likely pathogenic (1 of 4 stars; one submission).

Conditions:
Congenital anomaly of kidney and urinary tract. Also called: Congenital anomalies of the kidney and urinary tract; Congenital anomalies of kidney and urinary tract. Identifiers: Orphanet 93545, MedGen C1968949, MeSH C566906, MONDO:0019719.
Congenital heart disease (CHD). Identifiers: MedGen C0152021, MONDO:0005453. Disease mechanism: unknown.

Submission:

Institute Of Molecular Biology And Genetics, Federal Almazov National Medical Research Centre
Classification: Likely pathogenic for Congenital heart disease; Congenital anomaly of kidney and urinary tract. Last evaluated: 2026-04-01. Review status: criteria provided, single submitter. Criteria: ACMG Guidelines, 2015. Collection method: clinical testing. Allele origin: germline. Affected: yes. Observed: 1 variant allele.
Comment: The variant NM_002941.4:c.541_542del is a frameshift variant in ROBO1 gene which is predicted to produce a premature termination codon (p.Val181CysfsTer18), and likely results in an absent or disrupted protein product (PVS1). Loss-of-function is a known mechanism for ROBO1-related clinical conditions such as congenital heart disease, renal malformations, neurodevelopment disorders (PMID: 28592524, PMID: 35348658, PMID: 29194579, PMID: 35227688). The variant is absent in population databases (no allele frequency in gnomAD) (PM2).

NM_002941.4(ROBO1):c.541_542del (p.Val181fs)

Gene: ROBO1 (roundabout guidance receptor 1; minus strand). Cytogenetic location: 3p12.3.
Variant type: Deletion.
Coding change: c.541_542del on transcript NM_002941.4 (MANE Select); coding-DNA positions 541 to 542, 2 bases deleted (GT; older notation c.541_542delGT).
Protein change: p.Val181fs; shifts the reading frame from valine 181.
Molecular consequence: frameshift variant.
Genome position (GRCh38, 1-based): chr3:78,746,858-78,746,859, AC deleted on the plus strand (GT on the coding strand, the reverse complement: ROBO1 is on the minus strand). VCF-style (leftmost placement, unchanged base first): chr3-78746857-AAC-A. GRCh37 (hg19) VCF-style: chr3-78796007-AAC-A.
Other names: p.Val181CysfsTer18; c.424_425del, p.Val142fs (NM_001145845.2, NM_133631.4); short protein forms V142fs, V181fs.
Identifiers: ClinVar variation 4820338 (VCV004820338.1).
Genomic context (GRCh38, chr3:78,746,857, plus strand): 5'-GGTGGGCTCAGGATGGCCTCGTGGAGGTTGGCATTCCATTACTGCAGGCTCTCCTACTGC[AAC>A]CATGACATCCGAAGGGTTTTGTCTGAAGTCATCCCGAAGTACTGTAGGAACAAGATTAAA-3'